The following is an entry in ClinVar:

ClinVar aggregate classification (germline): Uncertain significance. Review status: criteria provided, multiple submitters, no conflicts (2 of 4 stars). 2 submissions from 2 submitters: Uncertain significance (2). Last evaluated 2025-11-06.

Conditions:
Hereditary cancer-predisposing syndrome. Also called: Hereditary Cancer Syndrome; Hereditary neoplastic syndrome; Neoplastic Syndromes, Hereditary; Tumor predisposition. Identifiers: Orphanet 140162, MedGen C0027672, MeSH D009386, MONDO:0015356.
Mitochondrial complex II deficiency, nuclear type 1. Also called: SUCCINATE CoQ REDUCTASE DEFICIENCY. Identifiers: Orphanet 3208, MedGen C5700310, MONDO:0100294, OMIM 252011.
Pheochromocytoma/paraganglioma syndrome 5. Also called: Paragangliomas 5; SDHA-Related Hereditary Paraganglioma-Pheochromocytoma Syndrome. Identifiers: Orphanet 29072, MedGen C3279992, MONDO:0013602, OMIM 614165.

Allele frequency attached by ClinVar (database versions not stated): gnomAD exomes below 0.00001.

Submissions (2):

Labcorp Genetics (formerly Invitae), Labcorp
Classification: Uncertain significance for Pheochromocytoma/paraganglioma syndrome 5; Mitochondrial complex II deficiency, nuclear type 1. Last evaluated: 2025-11-06. Review status: criteria provided, single submitter. Criteria: Invitae Variant Classification Sherloc (09022015). Collection method: clinical testing. Allele origin: germline.
Comment: This sequence change replaces cysteine, which is neutral and slightly polar, with phenylalanine, which is neutral and non-polar, at codon 305 of the SDHA protein (p.Cys305Phe). This variant is not present in population databases (gnomAD no frequency). This variant has not been reported in the literature in individuals affected with SDHA-related conditions. ClinVar contains an entry for this variant (Variation ID: 239685). Invitae Evidence Modeling of protein sequence and biophysical properties (such as structural, functional, and spatial information, amino acid conservation, physicochemical variation, residue mobility, and thermodynamic stability) indicates that this missense variant is not expected to disrupt SDHA protein function with a negative predictive value of 95%. In summary, the available evidence is currently insufficient to determine the role of this variant in disease. Therefore, it has been classified as a Variant of Uncertain Significance.

Ambry Genetics
Classification: Uncertain significance for Hereditary cancer-predisposing syndrome. Last evaluated: 2025-01-06. Review status: criteria provided, single submitter. Criteria: Ambry Variant Classification Scheme 2023. Collection method: clinical testing. Allele origin: germline.
Comment: The p.C305F variant (also known as c.914G>T), located in coding exon 8 of the SDHA gene, results from a G to T substitution at nucleotide position 914. The cysteine at codon 305 is replaced by phenylalanine, an amino acid with highly dissimilar properties. This amino acid position is conserved. In addition, this alteration is predicted to be deleterious by in silico analysis. Based on the available evidence, the clinical significance of this variant remains unclear.

NM_004168.4(SDHA):c.914G>T (p.Cys305Phe)

Gene: SDHA (succinate dehydrogenase complex flavoprotein subunit A; plus strand). Cytogenetic location: 5p15.33.
Variant type: single nucleotide variant.
Coding change: c.914G>T on transcript NM_004168.4 (MANE Select); coding-DNA position 914, G replaced by T.
Protein change: p.Cys305Phe; replaces cysteine 305 with phenylalanine.
Molecular consequence: missense variant.
Genome position (GRCh38, 1-based): chr5:233,495, G>T. VCF-style: chr5-233495-G-T. GRCh37 (hg19) VCF-style: chr5-233610-G-T.
Other names: c.770G>T, p.Cys257Phe (NM_001294332.2); c.914G>T, p.Cys305Phe (NM_001330758.2); short protein forms C305F, C257F.
Identifiers: ClinVar variation 239685 (VCV000239685.8), dbSNP rs878854638, ClinGen allele CA10582424.
Genomic context (GRCh38, chr5:233,495, plus strand): 5'-TCTAGCAATTGTTAGGTAATAAATATGTGTGGTTTTTTGCAGGCATATATGGTGCTGGTT[G>T]TCTCATTACGGAAGGATGTCGTGGAGAGGGAGGCATTCTCATTAACAGTCAAGGCGAAAG-3'
Protein context (NP_004159.2, residues 295-315): FHPTGIYGAG[Cys305Phe]LITEGCRGEG